The following is an entry in ClinVar:

ClinVar aggregate classification (germline): Pathogenic (1 of 4 stars; one submission).

Conditions:
Arrhythmogenic right ventricular dysplasia 9 (ARVD9). Also called: Arrhythmogenic Right Ventricular Dysplasia/Cardiomyopathy 9; ARRHYTHMOGENIC RIGHT VENTRICULAR DYSPLASIA, FAMILIAL, 9. Identifiers: MedGen C1836906, MONDO:0012180, OMIM 609040.

Submission:

Labcorp Genetics (formerly Invitae), Labcorp
Classification: Pathogenic for Arrhythmogenic right ventricular dysplasia 9. Last evaluated: 2020-02-05. Review status: criteria provided, single submitter. Criteria: Invitae Variant Classification Sherloc (09022015). Collection method: clinical testing. Allele origin: germline.
Comment: This variant is not present in population databases (ExAC no frequency). This sequence change creates a premature translational stop signal (p.Asn805Thrfs*10) in the PKP2 gene. It is expected to result in an absent or disrupted protein product. This variant has not been reported in the literature in individuals with PKP2-related conditions. For these reasons, this variant has been classified as Pathogenic. Loss-of-function variants in PKP2 are known to be pathogenic (PMID: 15489853, 23911551).

Literature cited by the submitters: PubMed 15489853; PubMed 23911551.

NM_001005242.3(PKP2):c.2282del (p.Asn761fs)

Gene: PKP2 (plakophilin 2; minus strand). Cytogenetic location: 12p11.21.
Variant type: Deletion.
Coding change: c.2282del on transcript NM_001005242.3 (MANE Select); coding-DNA position 2282, one base deleted (A; older notation c.2282delA).
Protein change: p.Asn761fs; shifts the reading frame from asparagine 761.
Molecular consequence: frameshift variant.
Genome position (GRCh38, 1-based): chr12:32,796,184, T deleted on the plus strand (A on the coding strand, the reverse complement: PKP2 is on the minus strand); the first of 4 consecutive T bases (chr12:32,796,184-32,796,187); deleting any one gives the same sequence. VCF-style (leftmost placement, unchanged base first): chr12-32796183-GT-G. GRCh37 (hg19) VCF-style: chr12-32949117-GT-G.
Other names: c.2414del, p.Asn805fs (NM_004572.4); short protein forms N761fs, N805fs.
Identifiers: ClinVar variation 943591 (VCV000943591.7), dbSNP rs1956120794, ClinGen allele CA1139662559.